The following is an entry in ClinVar:

NM_000742.4(CHRNA2):c.1464+10G>C

Gene: CHRNA2 (cholinergic receptor nicotinic alpha 2 subunit; minus strand). Cytogenetic location: 8p21.2.
Variant type: single nucleotide variant.
Coding change: c.1464+10G>C on transcript NM_000742.4 (MANE Select); 10 bases into the intron after coding-DNA position 1464, G replaced by C.
Molecular consequence: intron variant.
Genome position (GRCh38, 1-based): chr8:27,462,969, C>G on the plus strand (G>C on the coding strand, the complement: CHRNA2 is on the minus strand). VCF-style: chr8-27462969-C-G. GRCh37 (hg19) VCF-style: chr8-27320486-C-G.
Other names: c.987+10G>C (NM_001347705.2, NM_001347706.2); c.1419+10G>C (NM_001282455.2); c.870+10G>C (NM_001347708.2, NM_001347707.2).
Identifiers: ClinVar variation 513055 (VCV000513055.1), dbSNP rs749942986, ClinGen allele CA658797072.
Genomic context (GRCh38, chr8:27,462,969, plus strand): 5'-TGCGGTAAGGTGGTTCCCCGCTAAGTTGGTGGGGCCACCCAGGCTGGCGCCTCTCCCAAC[C>G]CCAACGCACCGAAGAGTCAGCATCCTCAGACCGCAGGTGGTCGGCAATGTAGTGCACACC-3'

ClinVar aggregate classification (germline): Likely benign (1 of 4 stars; one submission).

Submission:

GeneDx
Classification: Likely benign. Last evaluated: 2017-10-25. Review status: criteria provided, single submitter. Criteria: GeneDx Variant Classification (06012015). Collection method: clinical testing. Allele origin: germline. Affected: yes.
Comment: This variant is considered likely benign or benign based on one or more of the following criteria: it is a conservative change, it occurs at a poorly conserved position in the protein, it is predicted to be benign by multiple in silico algorithms, and/or has population frequency not consistent with disease.